The following is an entry in ClinVar:

NM_004281.4(BAG3):c.1687A>G (p.Ser563Gly)

Gene: BAG3 (BAG cochaperone 3; plus strand). Cytogenetic location: 10q26.11.
Variant type: single nucleotide variant.
Coding change: c.1687A>G on transcript NM_004281.4 (MANE Select); coding-DNA position 1687, A replaced by G.
Protein change: p.Ser563Gly; replaces serine 563 with glycine.
Molecular consequence: missense variant.
Genome position (GRCh38, 1-based): chr10:119,677,241, A>G. VCF-style: chr10-119677241-A-G. GRCh37 (hg19) VCF-style: chr10-121436753-A-G.
Other names: short protein forms S563G.
Identifiers: ClinVar variation 1778034 (VCV001778034.5), dbSNP rs1240662655, ClinGen allele CA378297855.

ClinVar aggregate classification (germline): Uncertain significance. Review status: criteria provided, multiple submitters, no conflicts (2 of 4 stars). 2 submissions from 2 submitters: Uncertain significance (2). Last evaluated 2023-11-04.

Conditions:
Cardiovascular phenotype. Identifiers: MedGen CN230736.
Myofibrillar myopathy 6. Identifiers: Orphanet 199340, MedGen C2751831, MONDO:0013061, OMIM 612954.
Dilated cardiomyopathy 1HH (CMD1HH). Identifiers: Orphanet 154, MedGen C3151293, MONDO:0013479, OMIM 613881.

Allele frequency attached by ClinVar (database versions not stated): gnomAD exomes below 0.00001; TOPMed below 0.00001.
gnomAD v4.1: 1 of 1,614,152 alleles (0.000062%); highest among the groups gnomAD compares: Admixed American, 0.0017%; no homozygotes.

Submissions (2):

Labcorp Genetics (formerly Invitae), Labcorp
Classification: Uncertain significance for Dilated cardiomyopathy 1HH; Myofibrillar myopathy 6. Last evaluated: 2023-11-04. Review status: criteria provided, single submitter. Criteria: Invitae Variant Classification Sherloc (09022015). Collection method: clinical testing. Allele origin: germline.
Comment: This sequence change replaces serine, which is neutral and polar, with glycine, which is neutral and non-polar, at codon 563 of the BAG3 protein (p.Ser563Gly). This variant is present in population databases (no rsID available, gnomAD 0.003%). This variant has not been reported in the literature in individuals affected with BAG3-related conditions. ClinVar contains an entry for this variant (Variation ID: 1778034). Advanced modeling of protein sequence and biophysical properties (such as structural, functional, and spatial information, amino acid conservation, physicochemical variation, residue mobility, and thermodynamic stability) performed at Invitae indicates that this missense variant is not expected to disrupt BAG3 protein function with a negative predictive value of 80%. In summary, the available evidence is currently insufficient to determine the role of this variant in disease. Therefore, it has been classified as a Variant of Uncertain Significance.

Ambry Genetics
Classification: Uncertain significance for Cardiovascular phenotype. Last evaluated: 2021-11-24. Review status: criteria provided, single submitter. Criteria: Ambry Variant Classification Scheme 2023. Collection method: clinical testing. Allele origin: germline.
Comment: The p.S563G variant (also known as c.1687A>G), located in coding exon 4 of the BAG3 gene, results from an A to G substitution at nucleotide position 1687. The serine at codon 563 is replaced by glycine, an amino acid with similar properties. This amino acid position is conserved. In addition, this alteration is predicted to be tolerated by in silico analysis. Since supporting evidence is limited at this time, the clinical significance of this alteration remains unclear.